The following is an entry in ClinVar:

NM_001035.3(RYR2):c.13450_13453dup (p.Ile4485fs)

Gene: RYR2 (ryanodine receptor 2; plus strand). Cytogenetic location: 1q43.
Variant type: Duplication.
Coding change: c.13450_13453dup on transcript NM_001035.3 (MANE Select); coding-DNA positions 13450 to 13453, 4 bases duplicated (ATCA; older notation c.13450_13453dupATCA).
Protein change: p.Ile4485fs; shifts the reading frame from isoleucine 4485.
Molecular consequence: frameshift variant.
Genome position (GRCh38, 1-based): chr1:237,788,109-237,788,112, ATCA duplicated; duplicating any 4 consecutive bases within chr1:237,788,108-237,788,112 gives the same sequence; the c. name uses the placement nearest the transcript's 3' end. VCF-style (leftmost placement, unchanged base first): chr1-237788107-A-AAATC. GRCh37 (hg19) VCF-style: chr1-237951407-A-AAATC.
Other names: short protein forms I4485fs.
Identifiers: ClinVar variation 2717494 (VCV002717494.3), dbSNP rs2527857613, ClinGen allele CA2697547751.
Genomic context (GRCh38, chr1:237,788,107, plus strand): 5'-GGCAGCTTCACACACACAGATACGGAGAACCAGAAGTGCCAGAGTCAGCATTCTGGAAGA[A>AAATC]AATCATAGCATATCAACAGAAACTTCTAGTAAGATGTTTTAGAATGAATATTGTTACTGA-3'

ClinVar aggregate classification (germline): Uncertain significance (1 of 4 stars; one submission).

Conditions:
Catecholaminergic polymorphic ventricular tachycardia 1. Also called: VENTRICULAR TACHYCARDIA, STRESS-INDUCED POLYMORPHIC 1; RYR2-Related Catecholaminergic Polymorphic Ventricular Tachycardia; VENTRICULAR TACHYCARDIA, CATECHOLAMINERGIC POLYMORPHIC, 1, WITH OR WITHOUT ATRIAL DYSFUNCTION AND/OR DILATED CARDIOMYOPATHY. Identifiers: Orphanet 3286, MedGen C1631597, MONDO:0011484, OMIM 604772.

Submission:

Labcorp Genetics (formerly Invitae), Labcorp
Classification: Uncertain significance for Catecholaminergic polymorphic ventricular tachycardia 1. Last evaluated: 2023-05-25. Review status: criteria provided, single submitter. Criteria: Invitae Variant Classification Sherloc (09022015). Collection method: clinical testing. Allele origin: germline.
Comment: This variant is not present in population databases (gnomAD no frequency). This variant has not been reported in the literature in individuals affected with RYR2-related conditions. In summary, the available evidence is currently insufficient to determine the role of this variant in disease. Therefore, it has been classified as a Variant of Uncertain Significance. This sequence change creates a premature translational stop signal (p.Ile4485Asnfs*38) in the RYR2 gene. It is expected to result in an absent or disrupted protein product. However, the current clinical and genetic evidence is not sufficient to establish whether loss-of-function variants in RYR2 cause disease.